The following is an entry in ClinVar:

ClinVar aggregate classification (germline): Conflicting classifications of pathogenicity. Review status: criteria provided, conflicting classifications (1 of 4 stars). 3 submissions from 3 submitters: Uncertain significance (2); Likely benign (1). Last evaluated 2025-03-04.

Conditions:
Hereditary cancer-predisposing syndrome. Also called: Hereditary neoplastic syndrome; Tumor predisposition; Neoplastic Syndromes, Hereditary; Hereditary Cancer Syndrome. Identifiers: Orphanet 140162, MedGen C0027672, MeSH D009386, MONDO:0015356.

Submissions (3):

Center for Genomic Medicine, Rigshospitalet, Copenhagen University Hospital
Classification: Uncertain significance. Last evaluated: 2025-03-04. Review status: criteria provided, single submitter. Criteria: ACMG Guidelines, 2015. Collection method: clinical testing. Allele origin: germline.

University of Washington Department of Laboratory Medicine, University of Washington
Classification: Likely benign for Hereditary cancer-predisposing syndrome. Last evaluated: 2023-03-23. Review status: criteria provided, single submitter. Criteria: Dines et al. (Genet Med. 2020). Collection method: curation. Allele origin: germline.
Comment: Missense variant in a coldspot region where missense variants are very unlikely to be pathogenic (PMID:31911673).

BRCA2 exon 11 coldspot. Reclassification based on statistical prior probability.

Ambry Genetics
Classification: Uncertain significance for Hereditary cancer-predisposing syndrome. Last evaluated: 2017-10-23. Review status: criteria provided, single submitter. Criteria: Ambry Variant Classification Scheme 2023. Collection method: clinical testing. Allele origin: germline.
Comment: The p.I943T variant (also known as c.2828T>C), located in coding exon 10 of the BRCA2 gene, results from a T to C substitution at nucleotide position 2828. The isoleucine at codon 943 is replaced by threonine, an amino acid with similar properties. This amino acid position is not well conserved in available vertebrate species. In addition, this alteration is predicted to be tolerated by in silico analysis. Since supporting evidence is limited at this time, the clinical significance of this alteration remains unclear.

NM_000059.4(BRCA2):c.2828T>C (p.Ile943Thr)

Gene: BRCA2 (BRCA2 DNA repair associated; plus strand). Cytogenetic location: 13q13.1.
Variant type: single nucleotide variant.
Coding change: c.2828T>C on transcript NM_000059.4 (MANE Select); coding-DNA position 2828, T replaced by C.
Protein change: p.Ile943Thr; replaces isoleucine 943 with threonine.
Molecular consequence: missense variant.
Genome position (GRCh38, 1-based): chr13:32,337,183, T>C. VCF-style: chr13-32337183-T-C. GRCh37 (hg19) VCF-style: chr13-32911320-T-C.
Other names: c.2828T>C (NM_000059.3); short protein forms I943T.
Identifiers: ClinVar variation 1697446 (VCV001697446.11), dbSNP rs2137490364, ClinGen allele CA387773825.